The following is an entry in ClinVar:

ClinVar aggregate classification (germline): Uncertain significance (1 of 4 stars; one submission).

Submission:

Laboratory for Molecular Medicine, Mass General Brigham Personalized Medicine
Classification: Uncertain significance. Last evaluated: 2014-04-09. Review status: criteria provided, single submitter. Criteria: LMM Criteria. Collection method: clinical testing. Allele origin: germline. Observed: 1 variant allele.
Comment: The His454Pro variant in ACTN2 has not been previously reported in individuals w ith cardiomyopathy or in large population studies. Computational prediction tool s and conservation analysis suggest that this variant may impact the protein, th ough this information is not predictive enough to determine pathogenicity. Addit ional information is needed to fully assess the clinical significance of the His 454Pro variant.

NM_001103.4(ACTN2):c.1361A>C (p.His454Pro)

Gene: ACTN2 (actinin alpha 2; plus strand). Cytogenetic location: 1q43.
Variant type: single nucleotide variant.
Coding change: c.1361A>C on transcript NM_001103.4 (MANE Select); coding-DNA position 1361, A replaced by C.
Protein change: p.His454Pro; replaces histidine 454 with proline.
Molecular consequence: missense variant.
Genome position (GRCh38, 1-based): chr1:236,744,731, A>C. VCF-style: chr1-236744731-A-C. GRCh37 (hg19) VCF-style: chr1-236908031-A-C.
Other names: c.1361A>C, p.His454Pro (NM_001278343.2); c.737A>C, p.His246Pro (NM_001278344.2); short protein forms H454P, H246P.
Identifiers: ClinVar variation 179702 (VCV000179702.4), dbSNP rs727505063, ClinGen allele CA184958.